The following is an entry in ClinVar:

NM_000159.4(GCDH):c.1097T>C (p.Met366Thr)

Gene: GCDH (glutaryl-CoA dehydrogenase; plus strand). Cytogenetic location: 19p13.13.
Variant type: single nucleotide variant.
Coding change: c.1097T>C on transcript NM_000159.4 (MANE Select); coding-DNA position 1097, T replaced by C.
Protein change: p.Met366Thr; replaces methionine 366 with threonine.
Molecular consequence: missense variant. On other transcripts: non-coding transcript variant (2).
Genome position (GRCh38, 1-based): chr19:12,897,717, T>C. VCF-style: chr19-12897717-T-C. GRCh37 (hg19) VCF-style: chr19-13008531-T-C.
Other names: c.1097T>C, p.Met366Thr (NM_013976.5); short protein forms M366T.
Identifiers: ClinVar variation 2179295 (VCV002179295.4), dbSNP rs1319290265, ClinGen allele CA404321253.

ClinVar aggregate classification (germline): Uncertain significance (1 of 4 stars; one submission).

Conditions:
Glutaric aciduria, type 1. Also called: Glutaryl-CoA dehydrogenase deficiency; Glutaricacidemia Type 1; Glutaric Acidemia Type 1; GA I; Glutaric acidemia type I; Glutaricaciduria, type I. Identifiers: Orphanet 25, MedGen C0268595, MONDO:0009281, OMIM 231670.

Allele frequency attached by ClinVar (database versions not stated): gnomAD exomes below 0.00001; TOPMed below 0.00001.

Submission:

Labcorp Genetics (formerly Invitae), Labcorp
Classification: Uncertain significance for Glutaric aciduria, type 1. Last evaluated: 2023-12-22. Review status: criteria provided, single submitter. Criteria: Invitae Variant Classification Sherloc (09022015). Collection method: clinical testing. Allele origin: germline.
Comment: This sequence change replaces methionine, which is neutral and non-polar, with threonine, which is neutral and polar, at codon 366 of the GCDH protein (p.Met366Thr). This variant is not present in population databases (gnomAD no frequency). This missense change has been observed in individual(s) with a positive newborn screening result for GCDH-related disease (Invitae). ClinVar contains an entry for this variant (Variation ID: 2179295). Advanced modeling of protein sequence and biophysical properties (such as structural, functional, and spatial information, amino acid conservation, physicochemical variation, residue mobility, and thermodynamic stability) performed at Invitae indicates that this missense variant is not expected to disrupt GCDH protein function with a negative predictive value of 80%. In summary, the available evidence is currently insufficient to determine the role of this variant in disease. Therefore, it has been classified as a Variant of Uncertain Significance.